The following is an entry in ClinVar:

ClinVar aggregate classification (germline): Uncertain significance. Review status: criteria provided, multiple submitters, no conflicts (2 of 4 stars). 2 submissions from 2 submitters: Uncertain significance (2). Last evaluated 2025-08-06.

Conditions:
RASopathy. Also called: rasopathies; Noonan spectrum disorder. Identifiers: Orphanet 536391, MedGen C5555857, MONDO:0021060.
Cardiovascular phenotype. Identifiers: MedGen CN230736.

Allele frequency attached by ClinVar (database versions not stated): gnomAD exomes below 0.00001.
gnomAD v4.1: 1 of 1,614,008 alleles (0.000062%); highest among the groups gnomAD compares: South Asian, 0.0011%; no homozygotes.

Submissions (2):

Labcorp Genetics (formerly Invitae), Labcorp
Classification: Uncertain significance for RASopathy. Last evaluated: 2025-08-06. Review status: criteria provided, single submitter. Criteria: Invitae Variant Classification Sherloc (09022015). Collection method: clinical testing. Allele origin: germline.
Comment: This sequence change replaces proline, which is neutral and non-polar, with serine, which is neutral and polar, at codon 557 of the SHOC2 protein (p.Pro557Ser). This variant is present in population databases (rs761448239, gnomAD 0.0009%). This variant has not been reported in the literature in individuals affected with SHOC2-related conditions. ClinVar contains an entry for this variant (Variation ID: 838172). Invitae Evidence Modeling of protein sequence and biophysical properties (such as structural, functional, and spatial information, amino acid conservation, physicochemical variation, residue mobility, and thermodynamic stability) indicates that this missense variant is expected to disrupt SHOC2 protein function with a positive predictive value of 80%. In summary, the available evidence is currently insufficient to determine the role of this variant in disease. Therefore, it has been classified as a Variant of Uncertain Significance.

Ambry Genetics
Classification: Uncertain significance for Cardiovascular phenotype. Last evaluated: 2023-01-18. Review status: criteria provided, single submitter. Criteria: Ambry Variant Classification Scheme 2023. Collection method: clinical testing. Allele origin: germline.
Comment: The c.1669C>T (p.P557S) alteration is located in exon 9 (coding exon 8) of the SHOC2 gene. This alteration results from a C to T substitution at nucleotide position 1669, causing the proline (P) at amino acid position 557 to be replaced by a serine (S). Based on data from gnomAD, the T allele has an overall frequency of <0.001% (1/251424) total alleles studied. The highest observed frequency was 0.001% (1/113726) of European (non-Finnish) alleles. This amino acid position is highly conserved in available vertebrate species. The in silico prediction for this alteration is inconclusive. Based on insufficient or conflicting evidence, the clinical significance of this alteration remains unclear.

NM_007373.4(SHOC2):c.1669C>T (p.Pro557Ser)

Gene: SHOC2 (SHOC2 leucine rich repeat scaffold protein; plus strand). Cytogenetic location: 10q25.2.
Variant type: single nucleotide variant.
Coding change: c.1669C>T on transcript NM_007373.4 (MANE Select); coding-DNA position 1669, C replaced by T.
Protein change: p.Pro557Ser; replaces proline 557 with serine.
Molecular consequence: missense variant. On other transcripts: non-coding transcript variant (1).
Genome position (GRCh38, 1-based): chr10:111,011,738, C>T. VCF-style: chr10-111011738-C-T. GRCh37 (hg19) VCF-style: chr10-112771496-C-T.
Other names: c.1531C>T, p.Pro511Ser (NM_001269039.3); c.1669C>T, p.Pro557Ser (NM_001324336.2, NM_001324337.2); short protein forms P511S, P557S.
Identifiers: ClinVar variation 838172 (VCV000838172.11), dbSNP rs761448239, ClinGen allele CA213914868.